The following is an entry in ClinVar:

ClinVar aggregate classification (germline): Uncertain significance (1 of 4 stars; one submission).

Conditions:
Megalencephaly-polymicrogyria-polydactyly-hydrocephalus syndrome 1 (MPPH1). Also called: MEGALENCEPHALY, MEGA CORPUS CALLOSUM, AND COMPLETE LACK OF MOTOR DEVELOPMENT; MEGALENCEPHALY, POLYMICROGYRIA, MEGA CORPUS CALLOSUM SYNDROME. Identifiers: Orphanet 83473, MedGen C4012727, MONDO:0011313, OMIM 603387.

Submission:

Clinical Genomics Laboratory, Washington University in St. Louis
Classification: Uncertain significance for Megalencephaly-polymicrogyria-polydactyly-hydrocephalus syndrome 1. Last evaluated: 2025-05-01. Review status: criteria provided, single submitter. Criteria: ACMG Guidelines, 2015. Collection method: clinical testing. Allele origin: germline.
Comment: A PIK3R2 c.2043G>C (p.Glu681Asp) variant was identified at a near heterozygous allelic fraction of 48.9%, a frequency which may be consistent with germline origin. This variant, to our knowledge, has not been reported in the medical literature. It is absent from the general population (gnomAD v4.1.0), indicating it is not a common variant. The PIK3R2 c.2043G>C (p.Glu681Asp) variant resides within a region, the sequence homology 2 domain, of PIK3R2 that is defined as a critical functional domain (Lai A et al., PMID: 35997716). Computational predictors are uncertain as to the impact of this variant on PIK3R2 function. Due to limited information, and based on ACMG/AMP guidelines for variant interpretation (Richards S et al., PMID: 25741868), the clinical significance of this variant is uncertain at this time.

NM_005027.4(PIK3R2):c.2043G>C (p.Glu681Asp)

Gene: PIK3R2 (phosphoinositide-3-kinase regulatory subunit 2; plus strand). Cytogenetic location: 19p13.11.
Variant type: single nucleotide variant.
Coding change: c.2043G>C on transcript NM_005027.4 (MANE Select); coding-DNA position 2043, G replaced by C.
Protein change: p.Glu681Asp; replaces glutamic acid 681 with aspartic acid.
Molecular consequence: missense variant. On other transcripts: non-coding transcript variant (2).
Genome position (GRCh38, 1-based): chr19:18,169,150, G>C. VCF-style: chr19-18169150-G-C. GRCh37 (hg19) VCF-style: chr19-18279960-G-C.
Other names: short protein forms E681D.
Identifiers: ClinVar variation 4279773 (VCV004279773.1).